The following is an entry in ClinVar:

NM_000038.6(APC):c.6520A>G (p.Ser2174Gly)

Gene: APC (APC regulator of Wnt signaling pathway; plus strand). Cytogenetic location: 5q22.2.
Variant type: single nucleotide variant.
Coding change: c.6520A>G on transcript NM_000038.6 (MANE Select); coding-DNA position 6520, A replaced by G.
Protein change: p.Ser2174Gly; replaces serine 2174 with glycine.
Molecular consequence: missense variant.
Genome position (GRCh38, 1-based): chr5:112,842,114, A>G. VCF-style: chr5-112842114-A-G. GRCh37 (hg19) VCF-style: chr5-112177811-A-G.
Other names: c.6520A>G, p.Ser2174Gly (NM_001127510.3, NM_001354895.2); c.6466A>G, p.Ser2156Gly (NM_001127511.3); c.6574A>G, p.Ser2192Gly (NM_001354896.2); c.6550A>G, p.Ser2184Gly (NM_001354897.2); c.6445A>G, p.Ser2149Gly (NM_001354898.2); c.6436A>G, p.Ser2146Gly (NM_001354899.2); c.6397A>G, p.Ser2133Gly (NM_001354900.2); c.6343A>G, p.Ser2115Gly (NM_001354901.2); and 5 more; short protein forms S2156G, S2174G, S1891G, S2048G, S2146G, S2083G, S2149G, S2192G.
Identifiers: ClinVar variation 489482 (VCV000489482.22), dbSNP rs754536901, ClinGen allele CA045179.

ClinVar aggregate classification (germline): Uncertain significance. Review status: criteria provided, multiple submitters, no conflicts (2 of 4 stars). 4 submissions from 4 submitters: Uncertain significance (4). Last evaluated 2025-12-09.

Conditions:
Familial adenomatous polyposis 1 (FAP1). Also called: POLYPOSIS, ADENOMATOUS INTESTINAL; FAMILIAL ADENOMATOUS POLYPOSIS 1, ATTENUATED. Identifiers: MedGen C2713442, MONDO:0021056, OMIM 175100. Disease mechanism: loss of function.
Hereditary cancer-predisposing syndrome. Also called: Hereditary Cancer Syndrome; Neoplastic Syndromes, Hereditary; Tumor predisposition; Hereditary neoplastic syndrome. Identifiers: Orphanet 140162, MedGen C0027672, MeSH D009386, MONDO:0015356.

Allele frequency attached by ClinVar (database versions not stated): ExAC 0.00001.
gnomAD v4.1: 1 of 1,611,082 alleles (0.000062%); no homozygotes.

Submissions (4):

Ambry Genetics
Classification: Uncertain significance for Hereditary cancer-predisposing syndrome. Last evaluated: 2025-12-09. Review status: criteria provided, single submitter. Criteria: Ambry Variant Classification Scheme 2023. Collection method: clinical testing. Allele origin: germline.
Comment: The p.S2174G variant (also known as c.6520A>G), located in coding exon 15 of the APC gene, results from an A to G substitution at nucleotide position 6520. The serine at codon 2174 is replaced by glycine, an amino acid with similar properties. This amino acid position is well conserved in available vertebrate species. In addition, in silico predictors for this gene do not accurately predict pathogenicity. Missense alterations in APC are not a common cause of disease (Spier I et al. Genet Med. 2024 Feb;26(2):100992). Based on the available evidence, the clinical significance of this variant remains unclear.

Labcorp Genetics (formerly Invitae), Labcorp
Classification: Uncertain significance for Familial adenomatous polyposis 1. Last evaluated: 2025-08-06. Review status: criteria provided, single submitter. Criteria: Invitae Variant Classification Sherloc (09022015). Collection method: clinical testing. Allele origin: germline.
Comment: This sequence change replaces serine, which is neutral and polar, with glycine, which is neutral and non-polar, at codon 2174 of the APC protein (p.Ser2174Gly). This variant is not present in population databases (gnomAD no frequency). This variant has not been reported in the literature in individuals affected with APC-related conditions. ClinVar contains an entry for this variant (Variation ID: 489482). Invitae Evidence Modeling of protein sequence and biophysical properties (such as structural, functional, and spatial information, amino acid conservation, physicochemical variation, residue mobility, and thermodynamic stability) indicates that this missense variant is not expected to disrupt APC protein function with a negative predictive value of 95%. In summary, the available evidence is currently insufficient to determine the role of this variant in disease. Therefore, it has been classified as a Variant of Uncertain Significance.

GeneDx
Classification: Uncertain significance. Last evaluated: 2025-03-25. Review status: criteria provided, single submitter. Criteria: GeneDx Variant Classification Process June 2021. Collection method: clinical testing. Allele origin: germline. Affected: yes.
Comment: Not observed at significant frequency in large population cohorts (gnomAD); In silico analysis indicates that this missense variant does not alter protein structure/function; This variant is associated with the following publications: (PMID: 25819062, 36315513, 38136308)

Color Diagnostics, LLC DBA Color Health
Classification: Uncertain significance for Hereditary cancer-predisposing syndrome. Last evaluated: 2019-02-28. Review status: criteria provided, single submitter. Criteria: ACMG Guidelines, 2015. Collection method: clinical testing. Allele origin: germline.